The following is an entry in ClinVar:

ClinVar aggregate classification (germline): Conflicting classifications of pathogenicity. Review status: criteria provided, conflicting classifications (1 of 4 stars). 6 submissions from 6 submitters: Uncertain significance (1); Likely benign (5). Last evaluated 2025-08-20.

Conditions:
Microcytic anemia. Identifiers: MedGen C5194182, MONDO:0001245, HP:0001935. Disease mechanism: loss of function.

Allele frequency attached by ClinVar (database versions not stated): gnomAD exomes 0.00058 and 0.00081; TOPMed 0.00071; ExAC 0.00083; 1000 Genomes Project 0.00040; 1000 Genomes Project 30x 0.00047; ESP Exome Variant Server 0.00054; gnomAD 0.00055 and 0.00057.
gnomAD v4.1: 988 of 1,613,550 alleles (0.061%); highest among the groups gnomAD compares: Middle Eastern, 1.2%; 7 homozygotes.

Submissions (6):

Mayo Clinic Laboratories, Mayo Clinic
Classification: Likely benign. Last evaluated: 2025-08-20. Review status: criteria provided, single submitter. Criteria: ACMG Guidelines, 2015. Collection method: clinical testing. Allele origin: germline. Observed: 5 variant alleles.

Laboratory of Genetics, Children's Clinical University Hospital Latvia
Classification: Likely benign. Last evaluated: 2025-02-16. Review status: criteria provided, single submitter. Criteria: ACMG Guidelines, 2015. Collection method: clinical testing. Allele origin: germline. Affected: yes.

Blueprint Genetics
Classification: Likely benign. Last evaluated: 2024-11-22. Review status: criteria provided, single submitter. Criteria: ACMG Guidelines, 2015. Collection method: clinical testing. Allele origin: germline.

Labcorp Genetics (formerly Invitae), Labcorp
Classification: Likely benign. Last evaluated: 2024-01-08. Review status: criteria provided, single submitter. Criteria: Invitae Variant Classification Sherloc (09022015). Collection method: clinical testing. Allele origin: germline.

CeGaT Center for Human Genetics Tuebingen
Classification: Likely benign. Last evaluated: 2022-07-01. Review status: criteria provided, single submitter. Criteria: CeGaT Center For Human Genetics Tuebingen Variant Classification Criteria Version 2. Collection method: clinical testing. Allele origin: germline. Affected: yes. Observed: 2 variant alleles.
Comment: TMPRSS6: BP4

Illumina Laboratory Services, Illumina
Classification: Uncertain significance for Iron-refractory iron deficiency anemia. Last evaluated: 2018-01-13. Review status: criteria provided, single submitter. Criteria: ICSL Variant Classification Criteria 13 December 2019. Collection method: clinical testing. Allele origin: germline.

NM_001374504.1(TMPRSS6):c.1206C>T (p.Gly402=)

Gene: TMPRSS6 (transmembrane serine protease 6; minus strand). Cytogenetic location: 22q12.3.
Variant type: single nucleotide variant.
Coding change: c.1206C>T on transcript NM_001374504.1 (MANE Select); coding-DNA position 1206, C replaced by T.
Protein change: p.Gly402=; no amino-acid change (glycine 402 retained).
Molecular consequence: synonymous variant.
Genome position (GRCh38, 1-based): chr22:37,075,271, G>A on the plus strand (C>T on the coding strand, the complement: TMPRSS6 is on the minus strand). VCF-style: chr22-37075271-G-A. GRCh37 (hg19) VCF-style: chr22-37471311-G-A.
Other names: p.Gly411=; c.1206C>T, p.Gly402= (NM_001289000.2, NM_001289001.2, NM_153609.4).
Identifiers: ClinVar variation 341588 (VCV000341588.46), dbSNP rs146266448, ClinGen allele CA10215693.